The following is an entry in ClinVar:

ClinVar aggregate classification (germline): Uncertain significance (1 of 4 stars; one submission).

Conditions:
Familial adenomatous polyposis 1 (FAP1). Also called: FAMILIAL ADENOMATOUS POLYPOSIS 1, ATTENUATED; POLYPOSIS, ADENOMATOUS INTESTINAL. Identifiers: MedGen C2713442, MONDO:0021056, OMIM 175100. Disease mechanism: loss of function.

Submission:

Labcorp Genetics (formerly Invitae), Labcorp
Classification: Uncertain significance for Familial adenomatous polyposis 1. Last evaluated: 2022-12-07. Review status: criteria provided, single submitter. Criteria: Invitae Variant Classification Sherloc (09022015). Collection method: clinical testing. Allele origin: germline.
Comment: In summary, the available evidence is currently insufficient to determine the role of this variant in disease. Therefore, it has been classified as a Variant of Uncertain Significance. Advanced modeling of protein sequence and biophysical properties (such as structural, functional, and spatial information, amino acid conservation, physicochemical variation, residue mobility, and thermodynamic stability) performed at Invitae indicates that this missense variant is not expected to disrupt APC protein function. This variant has not been reported in the literature in individuals affected with APC-related conditions. This variant is not present in population databases (gnomAD no frequency). This sequence change replaces alanine, which is neutral and non-polar, with glycine, which is neutral and non-polar, at codon 2648 of the APC protein (p.Ala2648Gly).

NM_000038.6(APC):c.7943C>G (p.Ala2648Gly)

Gene: APC (APC regulator of Wnt signaling pathway; plus strand). Cytogenetic location: 5q22.2.
Variant type: single nucleotide variant.
Coding change: c.7943C>G on transcript NM_000038.6 (MANE Select); coding-DNA position 7943, C replaced by G.
Protein change: p.Ala2648Gly; replaces alanine 2648 with glycine.
Molecular consequence: missense variant. On other transcripts: non-coding transcript variant (2).
Genome position (GRCh38, 1-based): chr5:112,843,537, C>G. VCF-style: chr5-112843537-C-G. GRCh37 (hg19) VCF-style: chr5-112179234-C-G.
Other names: c.7943C>G, p.Ala2648Gly (NM_001127510.3, NM_001354895.2, NM_001407450.1); c.7889C>G, p.Ala2630Gly (NM_001127511.3); c.7997C>G, p.Ala2666Gly (NM_001354896.2, NM_001407447.1, NM_001407448.1 and 1 more transcripts); c.7973C>G, p.Ala2658Gly (NM_001354897.2); c.7868C>G, p.Ala2623Gly (NM_001354898.2); c.7859C>G, p.Ala2620Gly (NM_001354899.2); c.7820C>G, p.Ala2607Gly (NM_001354900.2); c.7766C>G, p.Ala2589Gly (NM_001354901.2, NM_001407453.1); and 11 more; short protein forms A2264G, A2589G, A2623G, A2658G, A2557G, A2607G, A2620G, A2676G.
Identifiers: ClinVar variation 2818844 (VCV002818844.3), dbSNP rs113486158, ClinGen allele CA16038583.
Genomic context (GRCh38, chr5:112,843,537, plus strand): 5'-AGACCGTTTCCTCAGGTGCTACAAATGGTGCTGAATCAAAGACTCTAATTTATCAAATGG[C>G]ACCTGCTGTTTCTAAAACAGAGGATGTTTGGGTGAGAATTGAGGACTGTCCCATTAACAA-3'
Protein context (NP_000029.2, residues 2638-2658): AESKTLIYQM[Ala2648Gly]PAVSKTEDVW